The following is an entry in ClinVar:

NM_003060.4(SLC22A5):c.854T>A (p.Ile285Asn)

Gene: SLC22A5 (solute carrier family 22 member 5; plus strand). Cytogenetic location: 5q31.1.
Variant type: single nucleotide variant.
Coding change: c.854T>A on transcript NM_003060.4 (MANE Select); coding-DNA position 854, T replaced by A.
Protein change: p.Ile285Asn; replaces isoleucine 285 with asparagine.
Molecular consequence: missense variant.
Genome position (GRCh38, 1-based): chr5:132,387,054, T>A. VCF-style: chr5-132387054-T-A. GRCh37 (hg19) VCF-style: chr5-131722746-T-A.
Other names: c.926T>A, p.Ile309Asn (NM_001308122.2); short protein forms I285N, I309N.
Identifiers: ClinVar variation 854780 (VCV000854780.7), dbSNP rs1752556276, ClinGen allele CA360805555.
Genomic context (GRCh38, chr5:132,387,054, plus strand): 5'-GCCTCACTGAGATTGGACCTTGTACTGCCAGGTTCATCCCTGAGTCCCCCCGATGGCTCA[T>A]CTCTCAGGGACGATTTGAAGAGGCAGAGGTGATCATCCGCAAGGCTGCCAAAGCCAATGG-3'
Protein context (NP_003051.1, residues 275-295): WFIPESPRWL[Ile285Asn]SQGRFEEAEV

ClinVar aggregate classification (germline): Uncertain significance (1 of 4 stars; one submission).

Conditions:
Renal carnitine transport defect (CDSP). Also called: Systemic primary carnitine deficiency disease; Primary carnitine deficiency; CARNITINE DEFICIENCY, SYSTEMIC, DUE TO DEFECT IN RENAL REABSORPTION OF CARNITINE; CARNITINE TRANSPORTER, PLASMA-MEMBRANE, DEFICIENCY OF; CARNITINE UPTAKE DEFECT; Carnitine transporter deficiency. Identifiers: Orphanet 158, MedGen C0342788, MONDO:0008919, OMIM 212140.

Submission:

Labcorp Genetics (formerly Invitae), Labcorp
Classification: Uncertain significance for Renal carnitine transport defect. Last evaluated: 2021-09-01. Review status: criteria provided, single submitter. Criteria: Invitae Variant Classification Sherloc (09022015). Collection method: clinical testing. Allele origin: germline.
Comment: This sequence change replaces isoleucine with asparagine at codon 285 of the SLC22A5 protein (p.Ile285Asn). The isoleucine residue is moderately conserved and there is a large physicochemical difference between isoleucine and asparagine. This variant is not present in population databases (ExAC no frequency). This variant has not been reported in the literature in individuals affected with SLC22A5-related conditions. Algorithms developed to predict the effect of missense changes on protein structure and function (SIFT, PolyPhen-2, Align-GVGD) all suggest that this variant is likely to be disruptive. In summary, the available evidence is currently insufficient to determine the role of this variant in disease. Therefore, it has been classified as a Variant of Uncertain Significance.